The following is an entry in ClinVar:

NM_001110556.2(FLNA):c.1414dup (p.Val472fs)

Gene: FLNA (filamin A; minus strand). Cytogenetic location: Xq28.
Variant type: Duplication.
Coding change: c.1414dup on transcript NM_001110556.2 (MANE Select); coding-DNA position 1414, one base duplicated (G; older notation c.1414dupG).
Protein change: p.Val472fs; shifts the reading frame from valine 472.
Molecular consequence: frameshift variant.
Genome position (GRCh38, 1-based): chrX:154,366,039, C duplicated on the plus strand (G on the coding strand, the reverse complement: FLNA is on the minus strand). VCF-style (leftmost placement, unchanged base first): chrX-154366038-A-AC. GRCh37 (hg19) VCF-style: chrX-153594406-A-AC.
Other names: c.1414dup, p.Val472fs (NM_001456.4); short protein forms V472fs.
Identifiers: ClinVar variation 3759958 (VCV003759958.2).

ClinVar aggregate classification (germline): Pathogenic (1 of 4 stars; one submission).

Conditions:
Melnick-Needles syndrome (MNS). Also called: MELNICK-NEEDLES OSTEODYSPLASTY; OSTEODYSPLASTY OF MELNICK AND NEEDLES; Melnick-Needles Syndrome (FLNA-MNS). Identifiers: Orphanet 2484, MedGen C0025237, MONDO:0010650, OMIM 309350.
Frontometaphyseal dysplasia (FMD1). Identifiers: Orphanet 1826, MedGen C0265293, MONDO:0015942.
Heterotopia, periventricular, X-linked dominant (PVNH1). Also called: PERIVENTRICULAR NODULAR HETEROTOPIA 1; X-linked periventricular heterotopia; PERIVENTRICULAR NODULAR HETEROTOPIA 4; HETEROTOPIA, PERIVENTRICULAR, 1. Identifiers: Orphanet 2149, Orphanet 82004, MedGen C1848213, MONDO:0010233, OMIM 300049.
Oto-palato-digital syndrome, type II (OPD2). Also called: FACIOPALATOOSSEOUS SYNDROME; OPD II SYNDROME; Otopalatodigital Syndrome, Type II; Otopalatodigital Syndrome Type 2 (FLNA-OPD2). Identifiers: Orphanet 669, Orphanet 90652, MedGen C1844696, MONDO:0010571, OMIM 304120.

Submission:

Labcorp Genetics (formerly Invitae), Labcorp
Classification: Pathogenic for Oto-palato-digital syndrome, type II; Heterotopia, periventricular, X-linked dominant; Frontometaphyseal dysplasia; Melnick-Needles syndrome. Last evaluated: 2024-12-04. Review status: criteria provided, single submitter. Criteria: Invitae Variant Classification Sherloc (09022015). Collection method: clinical testing. Allele origin: germline.
Comment: This sequence change creates a premature translational stop signal (p.Val472Glyfs*8) in the FLNA gene. It is expected to result in an absent or disrupted protein product. Loss-of-function variants in FLNA are known to be pathogenic (PMID: 16684786, 20730588, 26471271). This variant is not present in population databases (gnomAD no frequency). This variant has not been reported in the literature in individuals affected with FLNA-related conditions. For these reasons, this variant has been classified as Pathogenic.

Literature cited by the submitters: PubMed 16684786; PubMed 20730588; PubMed 26471271.